The following is an entry in ClinVar:

NM_002693.3(POLG):c.2735-7C>A

Gene: POLG (DNA polymerase gamma, catalytic subunit; minus strand). Cytogenetic location: 15q26.1.
Variant type: single nucleotide variant.
Coding change: c.2735-7C>A on transcript NM_002693.3 (MANE Select); 7 bases into the intron before coding-DNA position 2735, C replaced by A.
Molecular consequence: intron variant.
Genome position (GRCh38, 1-based): chr15:89,321,019, G>T on the plus strand (C>A on the coding strand, the complement: POLG is on the minus strand). VCF-style: chr15-89321019-G-T. GRCh37 (hg19) VCF-style: chr15-89864250-G-T.
Other names: c.2735-7C>A (NM_001126131.2).
Identifiers: ClinVar variation 4682303 (VCV004682303.1).

ClinVar aggregate classification (germline): Uncertain significance (1 of 4 stars; one submission).

Submission:

Athena Diagnostics
Classification: Uncertain significance. Last evaluated: 2024-12-27. Review status: criteria provided, single submitter. Criteria: Athena Diagnostics Criteria. Collection method: clinical testing. Allele origin: unknown.
Comment: Available data are insufficient to determine the clinical significance of the variant at this time. This variant has not been reported in large, multi-ethnic general populations. Computational tools yielded inconclusive predictions regarding the effect of this variant on RNA splicing.